The following is an entry in ClinVar:

ClinVar aggregate classification (germline): Uncertain significance. Review status: criteria provided, multiple submitters, no conflicts (2 of 4 stars). 2 submissions from 2 submitters: Uncertain significance (2). Last evaluated 2025-10-29.

Conditions:
Inborn genetic diseases. Identifiers: MedGen C0950123, MeSH D030342.

Allele frequency attached by ClinVar (database versions not stated): gnomAD exomes below 0.00001; gnomAD 0.00001; TOPMed below 0.00001.
gnomAD v4.1: 6 of 1,610,180 alleles (0.00037%); highest among the groups gnomAD compares: Non-Finnish European, 0.00051%; no homozygotes.

Submissions (2):

Ambry Genetics
Classification: Uncertain significance for Inborn genetic diseases. Last evaluated: 2025-10-29. Review status: criteria provided, single submitter. Criteria: Ambry Variant Classification Scheme 2023. Collection method: clinical testing. Allele origin: germline.
Comment: The p.D760E variant (also known as c.2280C>A), located in coding exon 18 of the ABCC8 gene, results from a C to A substitution at nucleotide position 2280. The aspartic acid at codon 760 is replaced by glutamic acid, an amino acid with highly similar properties. This amino acid position is conserved. In addition, this alteration is predicted to be tolerated by in silico analysis. Based on the available evidence, the clinical significance of this variant remains unclear.

Labcorp Genetics (formerly Invitae), Labcorp
Classification: Uncertain significance. Last evaluated: 2022-09-16. Review status: criteria provided, single submitter. Criteria: Invitae Variant Classification Sherloc (09022015). Collection method: clinical testing. Allele origin: germline.
Comment: This sequence change replaces aspartic acid, which is acidic and polar, with glutamic acid, which is acidic and polar, at codon 760 of the ABCC8 protein (p.Asp760Glu). This variant is not present in population databases (gnomAD no frequency). This variant has not been reported in the literature in individuals affected with ABCC8-related conditions. Algorithms developed to predict the effect of missense changes on protein structure and function output the following: SIFT: "Tolerated"; PolyPhen-2: "Benign"; Align-GVGD: "Class C0". The glutamic acid amino acid residue is found in multiple mammalian species, which suggests that this missense change does not adversely affect protein function. In summary, the available evidence is currently insufficient to determine the role of this variant in disease. Therefore, it has been classified as a Variant of Uncertain Significance.

NM_000352.6(ABCC8):c.2280C>A (p.Asp760Glu)

Gene: ABCC8 (ATP binding cassette subfamily C member 8; minus strand). Cytogenetic location: 11p15.1.
Variant type: single nucleotide variant.
Coding change: c.2280C>A on transcript NM_000352.6 (MANE Select); coding-DNA position 2280, C replaced by A.
Protein change: p.Asp760Glu; replaces aspartic acid 760 with glutamic acid.
Molecular consequence: missense variant. On other transcripts: non-coding transcript variant (1).
Genome position (GRCh38, 1-based): chr11:17,415,315, G>T on the plus strand (C>A on the coding strand, the complement: ABCC8 is on the minus strand). VCF-style: chr11-17415315-G-T. GRCh37 (hg19) VCF-style: chr11-17436862-G-T.
Other names: c.2283C>A, p.Asp761Glu (NM_001287174.3); c.2346C>A, p.Asp782Glu (NM_001351295.2); c.2280C>A, p.Asp760Glu (NM_001351296.2); c.2277C>A, p.Asp759Glu (NM_001351297.2); c.2280C>A (NM_000352.3); short protein forms D760E, D782E, D759E, D761E.
Identifiers: ClinVar variation 1949582 (VCV001949582.3), dbSNP rs1181585001, ClinGen allele CA379810800.